The following is an entry in ClinVar:

NM_005120.3(MED12):c.1249G>A (p.Val417Ile)

Gene: MED12 (mediator complex subunit 12; plus strand). Cytogenetic location: Xq13.1.
Variant type: single nucleotide variant.
Coding change: c.1249G>A on transcript NM_005120.3 (MANE Select); coding-DNA position 1249, G replaced by A.
Protein change: p.Val417Ile; replaces valine 417 with isoleucine.
Molecular consequence: missense variant.
Genome position (GRCh38, 1-based): chrX:71,122,508, G>A. VCF-style: chrX-71122508-G-A. GRCh37 (hg19) VCF-style: chrX-70342358-G-A.
Other names: short protein forms V417I.
Identifiers: ClinVar variation 1677246 (VCV001677246.7), dbSNP rs2147783166, ClinGen allele CA413505782.
Genomic context (GRCh38, chrX:71,122,508, plus strand): 5'-GGGCTCTGGCCTTTTATATGCCTTGGTACATCCTTGTAGCCTTCCTTTTTAACATTGCAG[G>A]TCCGTGCAAAGTTGCGGGAGATCGAGCAGCAGATCAAGGAGCGGGGACAGGCAGTTGAAG-3'
Protein context (NP_005111.2, residues 407-427): PEGNSAFTQQ[Val417Ile]RAKLREIEQQ

ClinVar aggregate classification (germline): Uncertain significance. Review status: criteria provided, single submitter (1 of 4 stars). 2 submissions from 2 submitters: Uncertain significance (1). 1 of the submissions does not count toward it. Last evaluated 2022-02-27.

Conditions:
FG syndrome (FGS). Identifiers: MedGen C0220769, MONDO:0002010.
Dilated cardiomyopathy 1Y (CMD1Y). Identifiers: Orphanet 154, Orphanet 54260, MedGen C2678476, MONDO:0012744, OMIM 611878.

Submissions (2):

Labcorp Genetics (formerly Invitae), Labcorp
Classification: Uncertain significance for FG syndrome. Last evaluated: 2022-02-27. Review status: criteria provided, single submitter. Criteria: Invitae Variant Classification Sherloc (09022015). Collection method: clinical testing. Allele origin: germline.
Comment: This sequence change replaces valine, which is neutral and non-polar, with isoleucine, which is neutral and non-polar, at codon 417 of the MED12 protein (p.Val417Ile). This variant is not present in population databases (gnomAD no frequency). This variant has not been reported in the literature in individuals affected with MED12-related conditions. Algorithms developed to predict the effect of missense changes on protein structure and function are either unavailable or do not agree on the potential impact of this missense change (SIFT: "Deleterious"; PolyPhen-2: "Benign"; Align-GVGD: "Class C0"). In summary, the available evidence is currently insufficient to determine the role of this variant in disease. Therefore, it has been classified as a Variant of Uncertain Significance.

Rajaie Cardiovascular, Medical and Research Center, Iran University of Medical Sciences
Classification: Pathogenic for Dilated cardiomyopathy 1Y. Review status: no assertion criteria provided. Collection method: research. Allele origin: somatic. Inheritance: X-linked recessive inheritance. Affected: yes. Observed: 1 hemizygote. Not counted in ClinVar's aggregate classification.
Comment: The MED12 gene encodes a mediator complex subunit 12 protein. MED12 acts as a transcriptional hub required to coordinate development. Due to the study of Baskin et al., 2017 (PMID: 28724790), they reported that MED12 is required for normal cardiac function, such that mice with mutation of MED12 displays progressive dilated cardiomyopathy. The inheritance pattern of this gene is X-linked recessive.